The following is an entry in ClinVar:

ClinVar aggregate classification (germline): Likely benign. Review status: criteria provided, single submitter (1 of 4 stars). 2 submissions from 2 submitters: Likely benign (1). 1 of the submissions does not count toward it. Last evaluated 2022-12-01.

Conditions:
PLXNA3-related disorder. Also called: PLXNA3-related condition.

Allele frequency attached by ClinVar (database versions not stated): TOPMed 0.00004; gnomAD 0.00005; gnomAD exomes 0.00012; 1000 Genomes Project 30x 0.00021; 1000 Genomes Project 0.00026; ExAC 0.00030.
gnomAD v4.1: 139 of 1,204,945 alleles (0.012%); highest among the groups gnomAD compares: South Asian, 0.12%; 2 homozygotes.

Submissions (2):

CeGaT Center for Human Genetics Tuebingen
Classification: Likely benign. Last evaluated: 2022-12-01. Review status: criteria provided, single submitter. Criteria: CeGaT Center For Human Genetics Tuebingen Variant Classification Criteria Version 2. Collection method: clinical testing. Allele origin: germline. Affected: yes. Observed: 1 variant allele.
Comment: PLXNA3: BP4, BS2

PreventionGenetics, part of Exact Sciences
Classification: Likely benign for PLXNA3-related condition. Last evaluated: 2021-08-31. Review status: no assertion criteria provided. Collection method: clinical testing. Allele origin: germline. Not counted in ClinVar's aggregate classification.
Comment: This variant is classified as likely benign based on ACMG/AMP sequence variant interpretation guidelines (Richards et al. 2015 PMID: 25741868, with internal and published modifications).

NM_017514.5(PLXNA3):c.3309C>T (p.Phe1103=)

Gene: PLXNA3 (plexin A3; plus strand). Cytogenetic location: Xq28.
Variant type: single nucleotide variant.
Coding change: c.3309C>T on transcript NM_017514.5 (MANE Select); coding-DNA position 3309, C replaced by T.
Protein change: p.Phe1103=; no amino-acid change (phenylalanine 1103 retained).
Molecular consequence: synonymous variant.
Genome position (GRCh38, 1-based): chrX:154,467,339, C>T. VCF-style: chrX-154467339-C-T. GRCh37 (hg19) VCF-style: chrX-153695682-C-T.
Identifiers: ClinVar variation 2661837 (VCV002661837.25), dbSNP rs781890418, ClinGen allele CA10564603.
Genomic context (GRCh38, chrX:154,467,339, plus strand): 5'-CATCTTTCTTGGGCGGCCCCAGCCTCGGGCGCAAGGCGAGCACCCTGATGAGTTTGGCTT[C>T]CTGCTGGACCACGTGCAAACGGCCCGCTCCCTCAACCGCTCCTCCTTTACCTACTACCCT-3'
Protein context (NP_059984.3, residues 1093-1113): AQGEHPDEFG[Phe1103=]LLDHVQTARS